The following is an entry in ClinVar:

ClinVar aggregate classification (germline): Likely benign (1 of 4 stars; one submission).

Allele frequency attached by ClinVar (database versions not stated): TOPMed 0.00002; gnomAD 0.00003; gnomAD exomes 0.00008; ExAC 0.00013; 1000 Genomes Project 30x 0.00031; 1000 Genomes Project 0.00040.

Submission:

CeGaT Center for Human Genetics Tuebingen
Classification: Likely benign. Last evaluated: 2023-01-01. Review status: criteria provided, single submitter. Criteria: CeGaT Center For Human Genetics Tuebingen Variant Classification Criteria Version 2. Collection method: clinical testing. Allele origin: germline. Affected: yes. Observed: 1 variant allele.
Comment: SPTBN2: BP4, BP7

NM_006946.4(SPTBN2):c.1491C>T (p.His497=)

Gene: SPTBN2 (spectrin beta, non-erythrocytic 2; minus strand). Cytogenetic location: 11q13.2.
Variant type: single nucleotide variant.
Coding change: c.1491C>T on transcript NM_006946.4 (MANE Select); coding-DNA position 1491, C replaced by T.
Protein change: p.His497=; no amino-acid change (histidine 497 retained).
Molecular consequence: synonymous variant.
Genome position (GRCh38, 1-based): chr11:66,707,678, G>A on the plus strand (C>T on the coding strand, the complement: SPTBN2 is on the minus strand). VCF-style: chr11-66707678-G-A. GRCh37 (hg19) VCF-style: chr11-66475149-G-A.
Other names: c.1512C>T, p.His504= (NM_001411025.1).
Identifiers: ClinVar variation 2642005 (VCV002642005.24), dbSNP rs542700668, ClinGen allele CA6129356.